The following is an entry in ClinVar:

NM_016589.4(TIMMDC1):c.707G>T (p.Trp236Leu)

Gene: TIMMDC1 (translocase of inner mitochondrial membrane domain containing 1; plus strand). Cytogenetic location: 3q13.33.
Variant type: single nucleotide variant.
Coding change: c.707G>T on transcript NM_016589.4 (MANE Select); coding-DNA position 707, G replaced by T.
Protein change: p.Trp236Leu; replaces tryptophan 236 with leucine.
Molecular consequence: missense variant.
Genome position (GRCh38, 1-based): chr3:119,517,315, G>T. VCF-style: chr3-119517315-G-T. GRCh37 (hg19) VCF-style: chr3-119236162-G-T.
Other names: short protein forms W236L.
Identifiers: ClinVar variation 1334859 (VCV001334859.5), dbSNP rs754090765, ClinGen allele CA354030844.
Genomic context (GRCh38, chr3:119,517,315, plus strand): 5'-CTGTTCAGGAAAGAAAACAGAAGGATCGAAAGGCACTCCATGAGCTAAAACTGGAAGAGT[G>T]GTAAGGAACATGTTGAGCCCAGGGAATCTTGGCTCTCTTGCCCCAGGCCTTATATAGTGG-3'
Protein context (NP_057673.2, residues 226-246): KALHELKLEE[Trp236Leu]KGRLQVTEHL

ClinVar aggregate classification (germline): Uncertain significance. Review status: criteria provided, multiple submitters, no conflicts (2 of 4 stars). 2 submissions from 2 submitters: Uncertain significance (2). Last evaluated 2018-08-10.

Conditions:
Mitochondrial complex I deficiency, nuclear type 31. Also called: Mitochondrial complex 1 deficiency, nuclear type 31. Identifiers: MedGen C4748838, MONDO:0032634, OMIM 618251.

Submissions (2):

Genetic Services Laboratory, University of Chicago
Classification: Uncertain significance. Last evaluated: 2018-08-10. Review status: criteria provided, single submitter. Criteria: ACMG Guidelines, 2015. Collection method: clinical testing. Allele origin: germline. Affected: no.

Harry Perkins Institute Of Medical Research, University Of Western Australia
Classification: Uncertain significance for Mitochondrial complex I deficiency, nuclear type 31. Review status: criteria provided, single submitter. Criteria: ACMG Guidelines, 2015. Collection method: research, in vitro. Allele origin: biparental, not applicable. Inheritance: Autosomal recessive inheritance. Affected: yes. Functional consequence: splicing variant, reduced protein expression.
Comment: PM2 (Variant not found in gnomAD genomes, good gnomAD genomes coverage = 31.9. Variant not found in gnomAD exomes, good gnomAD exomes coverage = 25.7.), PP3 (Variant is predicted splicing: scSNV-ADA = 0.999994 is greater than 0.999925, and LOF in gene TIMMDC1 is known to cause disease (gene has 8 reported pathogenic LOF variants))

Literature cited by the submitters: PubMed 28604674 (cited by Harry Perkins Institute Of Medical Research, University Of Western Australia).